The following is an entry in ClinVar:

ClinVar aggregate classification (germline): Uncertain significance (1 of 4 stars; one submission).

Conditions:
Progressive sclerosing poliodystrophy (MTDPS4A). Also called: ALPERS PROGRESSIVE INFANTILE POLIODYSTROPHY; NEURONAL DEGENERATION OF CHILDHOOD WITH LIVER DISEASE, PROGRESSIVE; Alpers Syndrome; ALPERS DIFFUSE DEGENERATION OF CEREBRAL GRAY MATTER WITH HEPATIC CIRRHOSIS; Alpers-Huttenlocher Syndrome; Mitochondrial DNA depletion syndrome 4A (Alpers type). Identifiers: Orphanet 726, MedGen C0205710, MONDO:0008758, OMIM 203700.

gnomAD v4.1: 4 of 1,613,978 alleles (0.00025%); highest among the groups gnomAD compares: African/African-American, 0.0013%; no homozygotes.

Submission:

Labcorp Genetics (formerly Invitae), Labcorp
Classification: Uncertain significance for Progressive sclerosing poliodystrophy. Last evaluated: 2024-10-31. Review status: criteria provided, single submitter. Criteria: Invitae Variant Classification Sherloc (09022015). Collection method: clinical testing. Allele origin: germline.
Comment: This sequence change replaces methionine, which is neutral and non-polar, with valine, which is neutral and non-polar, at codon 525 of the POLG protein (p.Met525Val). This variant is present in population databases (no rsID available, gnomAD 0.03%). This variant has not been reported in the literature in individuals affected with POLG-related conditions. Invitae Evidence Modeling of protein sequence and biophysical properties (such as structural, functional, and spatial information, amino acid conservation, physicochemical variation, residue mobility, and thermodynamic stability) indicates that this missense variant is not expected to disrupt POLG protein function with a negative predictive value of 95%. In summary, the available evidence is currently insufficient to determine the role of this variant in disease. Therefore, it has been classified as a Variant of Uncertain Significance.

NM_002693.3(POLG):c.1573A>G (p.Met525Val)

Gene: POLG (DNA polymerase gamma, catalytic subunit; minus strand). Cytogenetic location: 15q26.1.
Variant type: single nucleotide variant.
Coding change: c.1573A>G on transcript NM_002693.3 (MANE Select); coding-DNA position 1573, A replaced by G.
Protein change: p.Met525Val; replaces methionine 525 with valine.
Molecular consequence: missense variant.
Genome position (GRCh38, 1-based): chr15:89,326,924, T>C on the plus strand (A>G on the coding strand, the complement: POLG is on the minus strand). VCF-style: chr15-89326924-T-C. GRCh37 (hg19) VCF-style: chr15-89870155-T-C.
Other names: c.1573A>G, p.Met525Val (NM_001126131.2); short protein forms M525V.
Identifiers: ClinVar variation 3636640 (VCV003636640.2).
Genomic context (GRCh38, chr15:89,326,924, plus strand): 5'-CCCAGAGACAACCCCTACCCTACCCTACCTCCCACCCATGCTCCCCACCTTCCTGATCCA[T>C]GGGATCACCAGGGGCCCCAGCCCCCTCGATGGGCAACTTGCTGGCTGTGGCTGGTTCCTT-3'
Protein context (NP_002684.1, residues 515-535): IEGAGAPGDP[Met525Val]DQEDLGPCSE